The following is an entry in ClinVar:

ClinVar aggregate classification (germline): Uncertain significance (1 of 4 stars; one submission).

Submission:

GeneDx
Classification: Uncertain significance. Last evaluated: 2019-05-29. Review status: criteria provided, single submitter. Criteria: GeneDx Variant Classification Process June 2021. Collection method: clinical testing. Allele origin: germline. Affected: yes.
Comment: Not observed in large population cohorts (Lek et al., 2016); In silico analysis, which includes protein predictors and evolutionary conservation, supports that this variant does not alter protein structure/function; Has not been previously published as pathogenic or benign to our knowledge

NM_001282531.3(ADNP):c.3097T>C (p.Tyr1033His)

Gene: ADNP (activity dependent neuroprotector homeobox; minus strand). Cytogenetic location: 20q13.13.
Variant type: single nucleotide variant.
Coding change: c.3097T>C on transcript NM_001282531.3 (MANE Select); coding-DNA position 3097, T replaced by C.
Protein change: p.Tyr1033His; replaces tyrosine 1033 with histidine.
Molecular consequence: missense variant.
Genome position (GRCh38, 1-based): chr20:50,891,617, A>G on the plus strand (T>C on the coding strand, the complement: ADNP is on the minus strand). VCF-style: chr20-50891617-A-G. GRCh37 (hg19) VCF-style: chr20-49508154-A-G.
Other names: c.3097T>C, p.Tyr1033His (NM_001282532.2, NM_001347511.2, NM_015339.5 and 1 more transcripts); short protein forms Y1033H.
Identifiers: ClinVar variation 1306158 (VCV001306158.2), dbSNP rs766133521, ClinGen allele CA408967102.